The following is an entry in ClinVar:

ClinVar aggregate classification (germline): Uncertain significance. Review status: criteria provided, multiple submitters, no conflicts (2 of 4 stars). 3 submissions from 3 submitters: Uncertain significance (3). Last evaluated 2024-11-11.

Conditions:
Inborn genetic diseases. Identifiers: MedGen C0950123, MeSH D030342.
Familial steroid-resistant nephrotic syndrome with sensorineural deafness. Identifiers: Orphanet 280406, MedGen C3553349, MONDO:0013836, OMIM 614650.

Allele frequency attached by ClinVar (database versions not stated): gnomAD exomes 0.00008; gnomAD 0.00014 and 0.00013; ExAC 0.00005; TOPMed 0.00006.
gnomAD v4.1: 90 of 1,613,892 alleles (0.0056%); highest among the groups gnomAD compares: Admixed American, 0.025%; no homozygotes.

Submissions (3):

Ambry Genetics
Classification: Uncertain significance for Inborn genetic diseases. Last evaluated: 2024-11-11. Review status: criteria provided, single submitter. Criteria: Ambry Variant Classification Scheme 2023. Collection method: clinical testing. Allele origin: germline.

GeneDx
Classification: Uncertain significance. Last evaluated: 2022-08-26. Review status: criteria provided, single submitter. Criteria: GeneDx Variant Classification Process June 2021. Collection method: clinical testing. Allele origin: germline. Affected: yes.
Comment: Not observed at significant frequency in large population cohorts (gnomAD); In silico analysis supports that this missense variant does not alter protein structure/function; Has not been previously published as pathogenic or benign to our knowledge

Fulgent Genetics
Classification: Uncertain significance for Familial steroid-resistant nephrotic syndrome with sensorineural deafness. Last evaluated: 2022-01-18. Review status: criteria provided, single submitter. Criteria: ACMG Guidelines, 2015. Collection method: clinical testing. Allele origin: unknown.

NM_182476.3(COQ6):c.917T>C (p.Phe306Ser)

Genes: COQ6 (coenzyme Q6, monooxygenase; plus strand), ENTPD5 (ectonucleoside triphosphate diphosphohydrolase 5; minus strand). Cytogenetic location: 14q24.3.
Variant type: single nucleotide variant.
Coding change: c.917T>C on transcript NM_182476.3 (MANE Select); coding-DNA position 917, T replaced by C.
Protein change: p.Phe306Ser; replaces phenylalanine 306 with serine.
Molecular consequence: missense variant. On other transcripts: 3 prime UTR variant (1), intron variant (5).
Genome position (GRCh38, 1-based): chr14:73,961,198, T>C. VCF-style: chr14-73961198-T-C. GRCh37 (hg19) VCF-style: chr14-74427901-T-C.
Other names: p.F306S:TTC>TCC; c.917T>C, p.Phe306Ser (NM_001425255.1); c.809T>C, p.Phe270Ser (NM_001425256.1); c.752T>C, p.Phe251Ser (NM_001425257.1); c.734T>C, p.Phe245Ser (NM_001425258.1); c.692T>C, p.Phe231Ser (NM_001425259.1, NM_001425260.1, NM_001425261.1); c.662T>C, p.Phe221Ser (NM_001425262.1); c.590T>C, p.Phe197Ser (NM_001425263.1); and 6 more; short protein forms F281S, F306S.
Identifiers: ClinVar variation 214237 (VCV000214237.11), dbSNP rs767940412, ClinGen allele CA323917.